The following is an entry in ClinVar:

NM_000492.4(CFTR):c.2620-26A>G

Gene: CFTR (CF transmembrane conductance regulator; plus strand). Cytogenetic location: 7q31.2.
Variant type: single nucleotide variant.
Coding change: c.2620-26A>G on transcript NM_000492.4 (MANE Select); 26 bases into the intron before coding-DNA position 2620, A replaced by G.
Molecular consequence: intron variant.
Genome position (GRCh38, 1-based): chr7:117,602,800, A>G. VCF-style: chr7-117602800-A-G. GRCh37 (hg19) VCF-style: chr7-117242854-A-G.
Other names: p.?.
Identifiers: ClinVar variation 53529 (VCV000053529.37), dbSNP rs201716473, ClinGen allele CA326869.
Genomic context (GRCh38, chr7:117,602,800, plus strand): 5'-TGGTGTGATGTGAATTTAGATGTGGGCATGGGAGGAATAGGTGAAGATGTTAGAAAAAAA[A>G]TCAACTGTGTCTTGTTCCATTCCAGGTGGCTGCTTCTTTGGTTGTGCTGTGGCTCCTTGG-3'

ClinVar aggregate classification (germline): Uncertain significance. Review status: reviewed by expert panel (3 of 4 stars). 16 submissions from 15 submitters: Uncertain significance (1). 15 of the submissions do not count toward it. Last evaluated 2018-08-31.

Conditions:
CFTR-related disorder (CFTR-RD). Also called: CFTR-related condition; CFTR-related disorders. Identifiers: MedGen C5924204, MONDO:7770004.
Congenital bilateral aplasia of vas deferens from CFTR mutation (CBAVD). Identifiers: Orphanet 48, MedGen C0403814, MONDO:0010178, OMIM 277180. Disease mechanism: loss of function.
Cystic fibrosis (CF). Also called: MUCOVISCIDOSIS. Identifiers: Orphanet 586, MedGen C0010674, MONDO:0009061, OMIM 219700. Disease mechanism: loss of function.
Hereditary pancreatitis (PCTT). Also called: PRSS1-Related Hereditary Pancreatitis; Hereditary chronic pancreatitis. Identifiers: Orphanet 676, MedGen C0238339, MONDO:0008185, OMIM 167800.

Allele frequency attached by ClinVar (database versions not stated): ExAC 0.00119; gnomAD exomes 0.00161 and 0.00133; gnomAD 0.00108; 1000 Genomes Project 30x 0.00016; 1000 Genomes Project 0.00020; ESP Exome Variant Server 0.00092; TOPMed 0.00121.

Submissions (16):

CFTR2
Classification: Uncertain significance for Cystic fibrosis. Last evaluated: 2018-08-31. Review status: reviewed by expert panel. Criteria: Submitter's publication and website. Collection method: research. Allele origin: germline. Affected: yes.

Labcorp Genetics (formerly Invitae), Labcorp
Classification: Benign for Cystic fibrosis. Last evaluated: 2026-01-27. Review status: criteria provided, single submitter. Criteria: Invitae Variant Classification Sherloc (09022015). Collection method: clinical testing. Allele origin: germline. Not counted in ClinVar's aggregate classification.

ARUP Laboratories, Molecular Genetics and Genomics, ARUP Laboratories
Classification: Uncertain significance. Last evaluated: 2025-06-02. Review status: criteria provided, single submitter. Criteria: ARUP Molecular Germline Variant Investigation Process 2024. Collection method: clinical testing. Allele origin: germline. Not counted in ClinVar's aggregate classification.
Comment: The CFTR c.2620-26A>G variant (rs201716473), also known as 2752-26A>G, is reported in the literature in individuals with monosymptomatic atypical cystic fibrosis (i.e. congenital bilateral absence of the vas deferens, pancreatitis) and normal to borderline sweat chloride values (Alonso 2007, Danziger 2004, Dequeker 2009, Pall 2007, Tzetis 1997, Yadav 2015). This variant is reported in ClinVar (Variation ID: 53529), and is found in the Ashkenazi Jewish population with an allele frequency of 2.7% (277/10,368 alleles, including 3 homozygotes) in the Genome Aggregation Database. This is an intronic variant in a weakly conserved nucleotide, and computational analyses (Alamut v.2.11) predict that this variant does not alter splicing. Functional analyses of the variant transcript show that this variant does not affect normal splicing (Bergougnoux 2015, Giorgi 2015). While the population frequency suggests that this variant is unlikely to be associated with classic CF, its association with milder phenotypes cannot be ruled out. Thus, due to conflicting information, the clinical significance of the c.2620-26A>G variant is uncertain at this time. References: Alonso MJ et al. Spectrum of mutations in the CFTR gene in cystic fibrosis patients of Spanish ancestry. Ann Hum Genet. 2007; 71(Pt 2):194-201. PMID: 17331079. Bergougnoux A et al. Should diffuse bronchiectasis still be considered a CFTR-related disorder? J Cyst Fibros. 2015; 14(5):646-53. PMID: 25797027. Danziger KL et al. Improved detection of cystic fibrosis mutations in infertility patients with DNA sequence analysis. Hum Reprod. 2004; 19(3):540-6. PMID: 14998948. Dequeker E et al. Best practice guidelines for molecular genetic diagnosis of cystic fibrosis and CFTR-related disorders--updated European recommendations. Eur J Hum Genet. 2009; 17(1):51-65. PMID: 18685558. Giorgi G et al. Validation of CFTR intronic variants identified during cystic fibrosis population screening by a minigene splicing assay. Clin Chem Lab Med. 2015; 53(11):1719-23. PMID: 25781545. Pall H et al. Primary sclerosing cholangitis in childhood is associated with abnormalities in cystic fibrosis-mediated chloride channel function. J Pediatr. 2007; 151(3):255-9. PMID: 17719933. Tzetis M et al. Characterization of more than 85% of cystic fibrosis alleles in the Greek population, including five novel mutations. Hum Genet. 1997; 99(1):121-5. PMID: 9003508. Yadav H et al. Chronic cough with normal sweat chloride: Phenotypic descriptions of two rare cystic fibrosis genotypes. Respir Med Case Rep. 2015; 17:17-9. PMID: 27222777.

Mayo Clinic Laboratories, Mayo Clinic
Classification: Likely benign. Last evaluated: 2024-10-31. Review status: criteria provided, single submitter. Criteria: ACMG Guidelines, 2015. Collection method: clinical testing. Allele origin: germline. Observed: 1 variant allele. Not counted in ClinVar's aggregate classification.
Comment: BS1, BS2, BS3, BP7

Quest Diagnostics Nichols Institute San Juan Capistrano
Classification: Likely benign. Last evaluated: 2022-12-24. Review status: criteria provided, single submitter. Criteria: Quest Diagnostics criteria. Collection method: clinical testing. Allele origin: unknown. Not counted in ClinVar's aggregate classification.

Revvity Omics, Revvity
Classification: Uncertain significance. Last evaluated: 2022-09-06. Review status: criteria provided, single submitter. Criteria: ACMG Guidelines, 2015. Collection method: clinical testing. Allele origin: germline. Not counted in ClinVar's aggregate classification.

Sema4
Classification: Likely benign for Hereditary pancreatitis. Last evaluated: 2020-12-08. Review status: criteria provided, single submitter. Criteria: Sema4 Curation Guidelines. Collection method: curation. Allele origin: germline. Not counted in ClinVar's aggregate classification.

Johns Hopkins Genomics, Johns Hopkins University
Classification: Benign for Cystic fibrosis. Last evaluated: 2020-02-10. Review status: criteria provided, single submitter. Criteria: ACMG Guidelines, 2015. Collection method: clinical testing. Allele origin: germline. Not counted in ClinVar's aggregate classification.

CFTR-France
Classification: Benign for cystic fibrosis. Last evaluated: 2018-03-26. Review status: criteria provided, single submitter. Criteria: Claustres M et al. (Hum Mutat 2017). Collection method: curation. Allele origin: germline. Affected: yes. Not counted in ClinVar's aggregate classification.
Comment: the variant does not result in CFTR-RD neither

Eurofins Ntd Llc (ga)
Classification: Likely benign. Last evaluated: 2017-12-20. Review status: criteria provided, single submitter. Criteria: EGL Classification Definitions 2015. Collection method: clinical testing. Allele origin: germline. Observed: 1 variant allele, 1 heterozygote. Not counted in ClinVar's aggregate classification.

Ambry Genetics
Classification: Likely benign for Cystic fibrosis. Last evaluated: 2017-06-14. Review status: criteria provided, single submitter. Criteria: Ambry Variant Classification Scheme 2023. Collection method: clinical testing. Allele origin: germline. Not counted in ClinVar's aggregate classification.

Women's Health and Genetics/Laboratory Corporation of America, LabCorp
Classification: Uncertain significance. Last evaluated: 2017-04-07. Review status: criteria provided, single submitter. Criteria: LabCorp Variant Classification Summary - May 2015. Collection method: clinical testing. Allele origin: germline. Not counted in ClinVar's aggregate classification.
Comment: Variant summary: The CFTR c.2620-26A>G variant (alternatively also known as 2752-26A>G) involves the alteration of a non-conserved intronic nucleotide. Mutation taster predicts a benign outcome for this variant. 1/5 splice prediction tools predict a creation of new splice acceptor site, however, 5/5 tools predict no significant effect in utilization of the consensus splice acceptor site. Two functional studies show that this variant does not affect normal splicing (Bergougnoux_2015, Giorgi_2015). This variant was found in 145/121484 control chromosomes from ExAC (including one homozygote) at a frequency of 0.0011936, which does not exceed the estimated maximal expected allele frequency of a pathogenic CFTR variant (0.0129603). The variant of interest has been reported in multiple CF patients without strong evidence for causality (i.e. cosegregation with disease and/or concordant recessive genotype). Meanwhile the patients were not comprehensively tested, therefore a possibility of missing a real pathogenic mutation in same allele as well as its co-occurrence in other allele (in trans) with another pathogenic variant cannot be completely ruled out. One adult patient confirmed to have a mild pathogenic variant in other allele (5T allele in intron 9) had milder clinical features of CF (chronic cough, nasal congestion and postnasal drip present for 3 years) with sweat chloride level <30 mmol/L (Yadav_2016). Pulmonary function testing and fecal elastase level in the patient were within normal limits and chest X-ray and CT of the sinuses were also normal. This variant has also been reported in patients with pulmonary and GI manifestations (such as primary sclerosing cholangitis, inflammatory bowel disease, and diffuse bronchiectasis). A new database gnomAD (which comprises data from ExAC plus individuals undergoing genome sequencing) reports the variants allele frequency in Ashkenazi Jewish at 2.640% (268/10150 chromosomes) including 3 homozygotes, which is an evidence against pathogenicity. In addition, one clinical diagnostic laboratory in ClinVar has classified this variant as likely benign. The variant was classified as polymorphism by a recent publication Bergougnoux_2015 in Journal of Cystic Fibrosis (PMID: 25797027), however is considered to have varying phenotypic consequence by CFTR2 database. Taken together, this variant is classified as VUS-possibly benign.

Baylor Genetics
Classification: Pathogenic for Congenital bilateral aplasia of vas deferens from CFTR mutation; Cystic fibrosis. Review status: criteria provided, single submitter. Criteria: ACMG Guidelines, 2015. Collection method: clinical testing. Allele origin: germline. Not counted in ClinVar's aggregate classification.

Baylor Genetics
Classification: Likely benign for Cystic fibrosis. Review status: criteria provided, single submitter. Criteria: ACMG Guidelines, 2015. Collection method: clinical testing. Allele origin: unknown. Not counted in ClinVar's aggregate classification.

Natera, Inc.
Classification: Uncertain significance for CFTR-related disorders. Last evaluated: 2019-05-20. Review status: no assertion criteria provided. Collection method: clinical testing. Allele origin: germline. Not counted in ClinVar's aggregate classification.

Counsyl
Classification: Likely benign for Cystic fibrosis. Last evaluated: 2018-02-13. Review status: no assertion criteria provided. Collection method: clinical testing. Allele origin: unknown. Not counted in ClinVar's aggregate classification.

Literature cited by the submitters: PubMed 12752573 (cited by 4 submitters); PubMed 12815607 (cited by 4 submitters); PubMed 14998948 (cited by 3 submitters); PubMed 15784035 (cited by 3 submitters); PubMed 17331079 (cited by 3 submitters); PubMed 17719933 (cited by Mayo Clinic Laboratories, Mayo Clinic); PubMed 25781545 (cited by 6 submitters); PubMed 25797027 (cited by 4 submitters); PubMed 27222777 (cited by 3 submitters); PubMed 28603918 (cited by Mayo Clinic Laboratories, Mayo Clinic and Quest Diagnostics Nichols Institute San Juan Capistrano); PubMed 29807875 (cited by Mayo Clinic Laboratories, Mayo Clinic and Quest Diagnostics Nichols Institute San Juan Capistrano); PubMed 32512765 (cited by Mayo Clinic Laboratories, Mayo Clinic); PubMed 37777263 (cited by Mayo Clinic Laboratories, Mayo Clinic); PubMed 18685558 (cited by 3 submitters); PubMed 25087612 (cited by Quest Diagnostics Nichols Institute San Juan Capistrano); PubMed 9003508 (cited by Quest Diagnostics Nichols Institute San Juan Capistrano and Women's Health and Genetics/Laboratory Corporation of America, LabCorp); PubMed 23523379 (cited by Quest Diagnostics Nichols Institute San Juan Capistrano).